The following is an entry in ClinVar:

NM_007118.4(TRIO):c.6145G>C (p.Val2049Leu)

Gene: TRIO (trio Rho guanine nucleotide exchange factor; plus strand). Cytogenetic location: 5p15.2.
Variant type: single nucleotide variant.
Coding change: c.6145G>C on transcript NM_007118.4 (MANE Select); coding-DNA position 6145, G replaced by C.
Protein change: p.Val2049Leu; replaces valine 2049 with leucine.
Molecular consequence: missense variant. On other transcripts: non-coding transcript variant (1).
Genome position (GRCh38, 1-based): chr5:14,476,955, G>C. VCF-style: chr5-14476955-G-C. GRCh37 (hg19) VCF-style: chr5-14477064-G-C.
Other names: short protein forms V2049L.
Identifiers: ClinVar variation 1695790 (VCV001695790.4), dbSNP rs1222922516, ClinGen allele CA359232555.

ClinVar aggregate classification (germline): Uncertain significance. Review status: criteria provided, multiple submitters, no conflicts (2 of 4 stars). 2 submissions from 2 submitters: Uncertain significance (2). Last evaluated 2025-02-07.

Allele frequency attached by ClinVar (database versions not stated): gnomAD exomes below 0.00001; TOPMed below 0.00001.
gnomAD v4.1: 3 of 1,613,294 alleles (0.00019%); highest among the groups gnomAD compares: South Asian, 0.0011%; no homozygotes.

Submissions (2):

Women's Health and Genetics/Laboratory Corporation of America, LabCorp
Classification: Uncertain significance. Last evaluated: 2025-02-07. Review status: criteria provided, single submitter. Criteria: LabCorp Variant Classification Summary - May 2015. Collection method: clinical testing. Allele origin: germline.
Comment: Variant summary: TRIO c.6145G>C (p.Val2049Leu) results in a conservative amino acid change located in the Dbl homology (DH) domain (IPR000219) of the encoded protein sequence. Four of five in-silico tools predict a benign effect of the variant on protein function. The variant allele was found at a frequency of 4e-06 in 250852 control chromosomes. The available data on variant occurrences in the general population are insufficient to allow any conclusion about variant significance. To our knowledge, no occurrence of c.6145G>C in individuals affected with TRIO-Related Intellectual Disability and no experimental evidence demonstrating its impact on protein function have been reported. ClinVar contains an entry for this variant (Variation ID: 1695790). Based on the evidence outlined above, the variant was classified as uncertain significance.

GeneDx
Classification: Uncertain significance. Last evaluated: 2022-01-10. Review status: criteria provided, single submitter. Criteria: GeneDx Variant Classification Process June 2021. Collection method: clinical testing. Allele origin: germline. Affected: yes.
Comment: In silico analysis supports that this missense variant does not alter protein structure/function; Has not been previously published as pathogenic or benign to our knowledge